The following is an entry in ClinVar:

NM_003491.4(NAA10):c.235C>T (p.Arg79Cys)

Gene: NAA10 (N-alpha-acetyltransferase 10, NatA catalytic subunit; minus strand). Cytogenetic location: Xq28.
Variant type: single nucleotide variant.
Coding change: c.235C>T on transcript NM_003491.4 (MANE Select); coding-DNA position 235, C replaced by T.
Protein change: p.Arg79Cys; replaces arginine 79 with cysteine.
Molecular consequence: missense variant.
Genome position (GRCh38, 1-based): chrX:153,932,422, G>A on the plus strand (C>T on the coding strand, the complement: NAA10 is on the minus strand). VCF-style: chrX-153932422-G-A. GRCh37 (hg19) VCF-style: chrX-153197875-G-A.
Other names: Arg79Cys; c.235C>T, p.Arg79Cys (NM_001256119.2); c.217C>T, p.Arg73Cys (NM_001256120.2); c.217C>T (NM_001256120.1); short protein forms R79C, R73C.
Identifiers: ClinVar variation 391316 (VCV000391316.17), dbSNP rs1057524031, ClinGen allele CA16608310.

ClinVar aggregate classification (germline): Conflicting classifications of pathogenicity. Review status: criteria provided, conflicting classifications (1 of 4 stars). 6 submissions from 5 submitters: Pathogenic (1); Likely pathogenic (2); Uncertain significance (2). 1 of the submissions does not count toward it. Last evaluated 2024-01-30.

Conditions:
Intellectual disability. Also called: Intellectual functioning disability; intellectual disabilities; Intellectual developmental disorder. Identifiers: MedGen C3714756, MeSH D008607, MONDO:0001071, HP:0001249.
Ogden syndrome (OGDNS). Also called: N-TERMINAL ACETYLTRANSFERASE DEFICIENCY. Identifiers: Orphanet 276432, MedGen C3275447, MONDO:0010457, OMIM 300855.

Submissions (6):

Labcorp Genetics (formerly Invitae), Labcorp
Classification: Uncertain significance. Last evaluated: 2024-01-30. Review status: criteria provided, single submitter. Criteria: Invitae Variant Classification Sherloc (09022015). Collection method: clinical testing. Allele origin: germline.
Comment: This sequence change replaces arginine, which is basic and polar, with cysteine, which is neutral and slightly polar, at codon 79 of the NAA10 protein (p.Arg79Cys). This variant is not present in population databases (gnomAD no frequency). This missense change has been observed in individual(s) with Ogden syndrome (PMID: 35039925). It has also been observed to segregate with disease in related individuals. ClinVar contains an entry for this variant (Variation ID: 391316). An algorithm developed to predict the effect of missense changes on protein structure and function (PolyPhen-2) suggests that this variant is likely to be disruptive. Experimental studies have shown that this missense change affects NAA10 function (PMID: 35039925). In summary, the available evidence is currently insufficient to determine the role of this variant in disease. Therefore, it has been classified as a Variant of Uncertain Significance.

Department of Genetics, Rouen University Hospital, Normandy Center for Genomic and Personalized Medicine
Classification: Likely pathogenic for Ogden syndrome. Last evaluated: 2021-04-09. Review status: criteria provided, single submitter. Criteria: ACMG Guidelines, 2015. Collection method: clinical testing. Allele origin: de novo. Affected: yes.

Department of Genetics, Rouen University Hospital, Normandy Center for Genomic and Personalized Medicine
Classification: Likely pathogenic for Intellectual disability. Last evaluated: 2018-04-10. Review status: criteria provided, single submitter. Criteria: ACMG Guidelines, 2015. Collection method: clinical testing. Allele origin: de novo. Affected: yes.

GeneDx
Classification: Uncertain significance. Last evaluated: 2016-12-23. Review status: criteria provided, single submitter. Criteria: GeneDx Variant Classification (06012015). Collection method: clinical testing. Allele origin: germline. Affected: yes.
Comment: The R79C variant in the NAA10 gene has not been reported previously as a pathogenic variant, nor as a benign variant, to our knowledge. This variant was not observed in approximately 6500 individuals of European and African American ancestry in the NHLBI Exome Sequencing Project, indicating it is not a common benign variant in these populations. The R79C variant is a non-conservative amino acid substitution, which is likely to impact secondary protein structure as these residues differ in polarity, charge, size and/or other properties. This substitution occurs at a position that is conserved across species. In silico analysis predicts this variant is probably damaging to the protein structure/function. We interpret R79C as a variant of uncertain significance.

Arnesen Lab, University of Bergen
Classification: Pathogenic for Ogden syndrome. Review status: criteria provided, single submitter. Criteria: ACMG Guidelines, 2015. Collection method: clinical testing, in vitro. Allele origin: germline, not applicable. Inheritance: X-linked inheritance. Affected: yes. Observed: 1 hemizygote. Functional consequence: Decreased function.
Comment: The NAA10 c.235C>T p.(R79C) was identified in three related males with intellectual disability. The amino acid R79 is highly conserved and the R79C substitution introduce large physicochemical differences affecting the conserved acetyltransferase domain of NAA10. This variant is not present in population databases (gnomAD). Our functional studies showed that the N-terminal acetyltransferase activity of the The NAA10 c.235C>T p.(R79C) variant was decreased. We interpret p.(R79C) as a pathogenic variant based on in silico predictions, experimental evidence and a family history indicating X-linked inherited disease.

OMIM
Classification: Pathogenic for OGDEN SYNDROME. Last evaluated: 2022-09-08. Review status: no assertion criteria provided. Collection method: literature only. Allele origin: germline. Not counted in ClinVar's aggregate classification.

Literature cited by the submitters: PubMed 35039925 (cited by Labcorp Genetics (formerly Invitae), Labcorp and OMIM).